The following is an entry in ClinVar:

ClinVar aggregate classification (germline): Pathogenic (1 of 4 stars; one submission).

Allele frequency attached by ClinVar (database versions not stated): TOPMed below 0.00001; gnomAD 0.00001; gnomAD exomes 0.00001.
gnomAD v4.1: 7 of 1,613,572 alleles (0.00043%); highest among the groups gnomAD compares: Admixed American, 0.0017%; no homozygotes.

Submission:

Labcorp Genetics (formerly Invitae), Labcorp
Classification: Pathogenic. Last evaluated: 2022-08-09. Review status: criteria provided, single submitter. Criteria: Invitae Variant Classification Sherloc (09022015). Collection method: clinical testing. Allele origin: germline.
Comment: This sequence change creates a premature translational stop signal (p.Gln443*) in the GRM6 gene. It is expected to result in an absent or disrupted protein product. Loss-of-function variants in GRM6 are known to be pathogenic (PMID: 15781871, 16622103, 22008250). For these reasons, this variant has been classified as Pathogenic. This variant has not been reported in the literature in individuals affected with GRM6-related conditions. This variant is not present in population databases (gnomAD no frequency).

Literature cited by the submitters: PubMed 15781871; PubMed 16622103; PubMed 22008250.

NM_000843.4(GRM6):c.1327C>T (p.Gln443Ter)

Genes: ZNF454 (zinc finger protein 454; plus strand), GRM6 (glutamate metabotropic receptor 6; minus strand). Cytogenetic location: 5q35.3.
Variant type: single nucleotide variant.
Coding change: c.1327C>T on transcript NM_000843.4 (MANE Select); coding-DNA position 1327, C replaced by T.
Protein change: p.Gln443Ter; replaces glutamine 443 with a stop codon.
Molecular consequence: nonsense.
Genome position (GRCh38, 1-based): chr5:178,988,962, G>A on the plus strand (C>T on the coding strand, the complement: GRM6 is on the minus strand). VCF-style: chr5-178988962-G-A. GRCh37 (hg19) VCF-style: chr5-178415963-G-A.
Other names: short protein forms Q443*.
Identifiers: ClinVar variation 2023133 (VCV002023133.4), dbSNP rs1351871440, ClinGen allele CA362429909.